The following is an entry in ClinVar:

ClinVar aggregate classification (germline): Uncertain significance (1 of 4 stars; one submission).

gnomAD v4.1: 2 of 1,210,667 alleles (0.00017%); highest among the groups gnomAD compares: Non-Finnish European, 0.00022%; no homozygotes.

Submission:

GeneDx
Classification: Uncertain significance. Last evaluated: 2019-07-23. Review status: criteria provided, single submitter. Criteria: GeneDx Variant Classification Process June 2021. Collection method: clinical testing. Allele origin: germline. Affected: yes.
Comment: Not observed in large population cohorts (Lek et al., 2016); In silico analysis, which includes protein predictors and evolutionary conservation, supports a deleterious effect; Has not been previously published as pathogenic or benign to our knowledge

NM_033380.3(COL4A5):c.3617A>G (p.Asp1206Gly)

Gene: COL4A5 (collagen type IV alpha 5 chain; plus strand). Cytogenetic location: Xq22.3.
Variant type: single nucleotide variant.
Coding change: c.3617A>G on transcript NM_033380.3 (MANE Select); coding-DNA position 3617, A replaced by G.
Protein change: p.Asp1206Gly; replaces aspartic acid 1206 with glycine.
Molecular consequence: missense variant.
Genome position (GRCh38, 1-based): chrX:108,668,331, A>G. VCF-style: chrX-108668331-A-G. GRCh37 (hg19) VCF-style: chrX-107911561-A-G.
Other names: c.3617A>G, p.Asp1206Gly (NM_000495.5); short protein forms D1206G.
Identifiers: ClinVar variation 1307359 (VCV001307359.2), dbSNP rs2147959019, ClinGen allele CA413848369.